The following is an entry in ClinVar:

ClinVar aggregate classification (germline): Likely benign. Review status: criteria provided, multiple submitters, no conflicts (2 of 4 stars). 2 submissions from 2 submitters: Likely benign (2). Last evaluated 2025-06-29.

Conditions:
Dyskeratosis congenita. Identifiers: Orphanet 1775, MedGen C0265965, MONDO:0015780.

Allele frequency attached by ClinVar (database versions not stated): TOPMed 0.00001; ExAC 0.00002; gnomAD exomes 0.00002; gnomAD 0.00003 and 0.00004.
gnomAD v4.1: 22 of 1,198,568 alleles (0.0018%); highest among the groups gnomAD compares: Middle Eastern, 0.14%; no homozygotes.

Submissions (2):

Labcorp Genetics (formerly Invitae), Labcorp
Classification: Likely benign for Dyskeratosis congenita. Last evaluated: 2025-06-29. Review status: criteria provided, single submitter. Criteria: Invitae Variant Classification Sherloc (09022015). Collection method: clinical testing. Allele origin: germline.

CeGaT Center for Human Genetics Tuebingen
Classification: Likely benign. Last evaluated: 2023-02-01. Review status: criteria provided, single submitter. Criteria: CeGaT Center For Human Genetics Tuebingen Variant Classification Criteria Version 2. Collection method: clinical testing. Allele origin: germline. Affected: yes. Observed: 1 variant allele.
Comment: DKC1: BP4, BS2

NM_001363.5(DKC1):c.85-5C>T

Gene: DKC1 (dyskerin pseudouridine synthase 1; plus strand). Cytogenetic location: Xq28.
Variant type: single nucleotide variant.
Coding change: c.85-5C>T on transcript NM_001363.5 (MANE Select); 5 bases into the intron before coding-DNA position 85, C replaced by T.
Molecular consequence: intron variant. On other transcripts: non-coding transcript variant (1).
Genome position (GRCh38, 1-based): chrX:154,765,439, C>T. VCF-style: chrX-154765439-C-T. GRCh37 (hg19) VCF-style: chrX-153993714-C-T.
Other names: c.85-5C>T (NM_001288747.2, NM_001142463.3).
Identifiers: ClinVar variation 1079862 (VCV001079862.32), dbSNP rs782381308, ClinGen allele CA10566972.
Genomic context (GRCh38, chrX:154,765,439, plus strand): 5'-GCAGTAATGGAATTGTTCAAAATCGGGTGGGAAGTTTAATAGGTTATATTTCTGTCCTGT[C>T]GAAGGAAATACAACACGCTGAAGAATTTCTTATCAAACCTGAATCCAAAGTTGCTAAGTT-3'